The following is an entry in ClinVar:

NM_000051.4(ATM):c.487C>G (p.Gln163Glu)

Gene: ATM (ATM serine/threonine kinase; plus strand). Cytogenetic location: 11q22.3.
Variant type: single nucleotide variant.
Coding change: c.487C>G on transcript NM_000051.4 (MANE Select); coding-DNA position 487, C replaced by G.
Protein change: p.Gln163Glu; replaces glutamine 163 with glutamic acid.
Molecular consequence: missense variant.
Genome position (GRCh38, 1-based): chr11:108,235,825, C>G. VCF-style: chr11-108235825-C-G. GRCh37 (hg19) VCF-style: chr11-108106552-C-G.
Other names: c.487C>G, p.Gln163Glu (NM_001351834.2); short protein forms Q163E.
Identifiers: ClinVar variation 825251 (VCV000825251.9), dbSNP rs1591475608, ClinGen allele CA382525690.

ClinVar aggregate classification (germline): Uncertain significance. Review status: criteria provided, multiple submitters, no conflicts (2 of 4 stars). 2 submissions from 2 submitters: Uncertain significance (2). Last evaluated 2025-12-11.

Conditions:
Hereditary cancer-predisposing syndrome. Also called: Neoplastic Syndromes, Hereditary; Hereditary Cancer Syndrome; Hereditary neoplastic syndrome; Tumor predisposition. Identifiers: Orphanet 140162, MedGen C0027672, MeSH D009386, MONDO:0015356.
Ataxia-telangiectasia syndrome (AT). Also called: ATAXIA-TELANGIECTASIA, COMPLEMENTATION GROUP A; ATAXIA-TELANGIECTASIA, FRESNO VARIANT; Ataxia-telangiectasia, complementation group E; Ataxia telangiectasia (A-T); LOUIS-BAR SYNDROME; Cerebello-oculocutaneous telangiectasia. Identifiers: Orphanet 100, MedGen C0004135, MONDO:0008840, OMIM 208900.

Allele frequency attached by ClinVar (database versions not stated): TOPMed below 0.00001.

Submissions (2):

Ambry Genetics
Classification: Uncertain significance for Hereditary cancer-predisposing syndrome. Last evaluated: 2025-12-11. Review status: criteria provided, single submitter. Criteria: Ambry Variant Classification Scheme 2023. Collection method: clinical testing. Allele origin: germline.
Comment: The p.Q163E variant (also known as c.487C>G), located in coding exon 4 of the ATM gene, results from a C to G substitution at nucleotide position 487. The glutamine at codon 163 is replaced by glutamic acid, an amino acid with highly similar properties. This amino acid position is highly conserved in available vertebrate species. In addition, this alteration is predicted to be tolerated by in silico analysis. Since supporting evidence is limited at this time, the clinical significance of this alteration remains unclear.

Labcorp Genetics (formerly Invitae), Labcorp
Classification: Uncertain significance for Ataxia-telangiectasia syndrome. Last evaluated: 2025-07-30. Review status: criteria provided, single submitter. Criteria: Invitae Variant Classification Sherloc (09022015). Collection method: clinical testing. Allele origin: germline.
Comment: This sequence change replaces glutamine, which is neutral and polar, with glutamic acid, which is acidic and polar, at codon 163 of the ATM protein (p.Gln163Glu). This variant is not present in population databases (gnomAD no frequency). This variant has not been reported in the literature in individuals affected with ATM-related conditions. ClinVar contains an entry for this variant (Variation ID: 825251). Invitae Evidence Modeling of protein sequence and biophysical properties (such as structural, functional, and spatial information, amino acid conservation, physicochemical variation, residue mobility, and thermodynamic stability) indicates that this missense variant is not expected to disrupt ATM protein function with a negative predictive value of 95%. In summary, the available evidence is currently insufficient to determine the role of this variant in disease. Therefore, it has been classified as a Variant of Uncertain Significance.